The following is an entry in ClinVar:

ClinVar aggregate classification (germline): Uncertain significance (1 of 4 stars; one submission).

gnomAD v4.1: 3 of 1,611,154 alleles (0.00019%); highest among the groups gnomAD compares: Non-Finnish European, 0.000085%; no homozygotes.

Submission:

CeGaT Center for Human Genetics Tuebingen
Classification: Uncertain significance. Last evaluated: 2025-12-01. Review status: criteria provided, single submitter. Criteria: CeGaT Center For Human Genetics Tuebingen Variant Classification Criteria Version 2. Collection method: clinical testing. Allele origin: germline. Affected: yes. Observed: 1 variant allele.
Comment: BAZ2B: PM2, BP4

NM_013450.4(BAZ2B):c.650G>C (p.Ser217Thr)

Gene: BAZ2B (bromodomain adjacent to zinc finger domain 2B; minus strand). Cytogenetic location: 2q24.2.
Variant type: single nucleotide variant.
Coding change: c.650G>C on transcript NM_013450.4 (MANE Select); coding-DNA position 650, G replaced by C.
Protein change: p.Ser217Thr; replaces serine 217 with threonine.
Molecular consequence: missense variant.
Genome position (GRCh38, 1-based): chr2:159,446,828, C>G on the plus strand (G>C on the coding strand, the complement: BAZ2B is on the minus strand). VCF-style: chr2-159446828-C-G. GRCh37 (hg19) VCF-style: chr2-160303339-C-G.
Other names: c.644G>C, p.Ser215Thr (NM_001289975.1); c.461G>C, p.Ser154Thr (NM_001329857.2); c.650G>C, p.Ser217Thr (NM_001329858.2); short protein forms S154T, S215T, S217T.
Identifiers: ClinVar variation 4682023 (VCV004682023.5).